The following is an entry in ClinVar:

NM_207037.2(TCF12):c.1597C>G (p.Gln533Glu)

Gene: TCF12 (transcription factor 12; plus strand). Cytogenetic location: 15q21.3.
Variant type: single nucleotide variant.
Coding change: c.1597C>G on transcript NM_207037.2 (MANE Select); coding-DNA position 1597, C replaced by G.
Protein change: p.Gln533Glu; replaces glutamine 533 with glutamic acid.
Molecular consequence: missense variant.
Genome position (GRCh38, 1-based): chr15:57,263,126, C>G. VCF-style: chr15-57263126-C-G. GRCh37 (hg19) VCF-style: chr15-57555324-C-G.
Other names: c.1087C>G, p.Gln363Glu (NM_001306219.3); c.817C>G, p.Gln273Glu (NM_001306220.3); c.1597C>G, p.Gln533Glu (NM_001322151.2, NM_001322152.2, NM_001322159.3 and 2 more transcripts); c.940C>G, p.Gln314Glu (NM_001322154.2); c.1423C>G, p.Gln475Glu (NM_001322156.2); c.1525C>G, p.Gln509Glu (NM_001322157.3, NM_001322165.2, NM_003205.4 and 1 more transcripts); c.1351C>G, p.Gln451Glu (NM_001322158.2); c.1594C>G, p.Gln532Glu (NM_001322161.2); and 3 more; short protein forms Q475E, Q509E, Q521E, Q533E, Q273E, Q339E, Q363E, Q314E.
Identifiers: ClinVar variation 2240394 (VCV002240394.3), dbSNP rs2551492642, ClinGen allele CA392589753.

ClinVar aggregate classification (germline): Uncertain significance. Review status: criteria provided, multiple submitters, no conflicts (2 of 4 stars). 2 submissions from 2 submitters: Uncertain significance (2). Last evaluated 2024-05-21.

Conditions:
Inborn genetic diseases. Identifiers: MedGen C0950123, MeSH D030342.

Submissions (2):

GeneDx
Classification: Uncertain significance. Last evaluated: 2024-05-21. Review status: criteria provided, single submitter. Criteria: GeneDx Variant Classification Process June 2021. Collection method: clinical testing. Allele origin: germline. Affected: yes.
Comment: Not observed at significant frequency in large population cohorts (gnomAD); In silico analysis indicates that this missense variant does not alter protein structure/function; Has not been previously published as pathogenic or benign to our knowledge

Ambry Genetics
Classification: Uncertain significance for Inborn genetic diseases. Last evaluated: 2021-08-02. Review status: criteria provided, single submitter. Criteria: Ambry Variant Classification Scheme 2023. Collection method: clinical testing. Allele origin: germline.